The following is an entry in ClinVar:

NM_001276270.2(MBD4):c.696A>T (p.Lys232Asn)

Gene: MBD4 (methyl-CpG binding domain 4, DNA glycosylase; minus strand). Cytogenetic location: 3q21.3.
Variant type: single nucleotide variant.
Coding change: c.696A>T on transcript NM_001276270.2 (MANE Select); coding-DNA position 696, A replaced by T.
Protein change: p.Lys232Asn; replaces lysine 232 with asparagine.
Molecular consequence: missense variant. On other transcripts: intron variant (1).
Genome position (GRCh38, 1-based): chr3:129,436,948, T>A on the plus strand (A>T on the coding strand, the complement: MBD4 is on the minus strand). VCF-style: chr3-129436948-T-A. GRCh37 (hg19) VCF-style: chr3-129155791-T-A.
Other names: c.696A>T, p.Lys232Asn (NM_001276271.2, NM_001276272.2, NM_003925.3); c.247+860A>T (NM_001276273.2); short protein forms K232N.
Identifiers: ClinVar variation 3870941 (VCV003870941.1).

ClinVar aggregate classification (germline): Uncertain significance (1 of 4 stars; one submission).

Conditions:
Inborn genetic diseases. Identifiers: MedGen C0950123, MeSH D030342.

Submission:

Ambry Genetics
Classification: Uncertain significance for Inborn genetic diseases. Last evaluated: 2025-02-21. Review status: criteria provided, single submitter. Criteria: Ambry Variant Classification Scheme 2023. Collection method: clinical testing. Allele origin: germline.
Comment: The p.K232N variant (also known as c.696A>T), located in coding exon 3 of the MBD4 gene, results from an A to T substitution at nucleotide position 696. The lysine at codon 232 is replaced by asparagine, an amino acid with similar properties. This amino acid position is conserved. In addition, the in silico prediction for this alteration is inconclusive. Based on the available evidence, the clinical significance of this variant remains unclear.